The following is an entry in ClinVar:

NM_002485.5(NBN):c.1253C>A (p.Ser418Ter)

Gene: NBN (nibrin; minus strand). Cytogenetic location: 8q21.3.
Variant type: single nucleotide variant.
Coding change: c.1253C>A on transcript NM_002485.5 (MANE Select); coding-DNA position 1253, C replaced by A.
Protein change: p.Ser418Ter; replaces serine 418 with a stop codon.
Molecular consequence: nonsense.
Genome position (GRCh38, 1-based): chr8:89,955,427, G>T on the plus strand (C>A on the coding strand, the complement: NBN is on the minus strand). VCF-style: chr8-89955427-G-T. GRCh37 (hg19) VCF-style: chr8-90967655-G-T.
Other names: c.1007C>A, p.Ser336Ter (NM_001024688.3); short protein forms S418*, S336*.
Identifiers: ClinVar variation 661854 (VCV000661854.11), dbSNP rs1554559212, ClinGen allele CA371656261.

ClinVar aggregate classification (germline): Pathogenic. Review status: criteria provided, multiple submitters, no conflicts (2 of 4 stars). 2 submissions from 2 submitters: Pathogenic (2). Last evaluated 2023-09-25.

Conditions:
Microcephaly, normal intelligence and immunodeficiency (NBS). Also called: Microcephaly with normal intelligence immunodeficiency and lymphoreticular malignancies; Nonsyndromal microcephaly autosomal recessive with normal intelligence; Seemanova syndrome 2; Immunodeficiency, microcephaly with normal intelligence; SEEMANOVA SYNDROME II; Ataxia telangiectasia variant V1. Identifiers: Orphanet 647, MedGen C0398791, MONDO:0009623, OMIM 251260.
Hereditary cancer-predisposing syndrome. Also called: Neoplastic Syndromes, Hereditary; Hereditary neoplastic syndrome; Tumor predisposition; Hereditary Cancer Syndrome. Identifiers: Orphanet 140162, MedGen C0027672, MeSH D009386, MONDO:0015356.

Submissions (2):

Labcorp Genetics (formerly Invitae), Labcorp
Classification: Pathogenic for Microcephaly, normal intelligence and immunodeficiency. Last evaluated: 2023-09-25. Review status: criteria provided, single submitter. Criteria: Invitae Variant Classification Sherloc (09022015). Collection method: clinical testing. Allele origin: germline.
Comment: ClinVar contains an entry for this variant (Variation ID: 661854). For these reasons, this variant has been classified as Pathogenic. This variant has not been reported in the literature in individuals affected with NBN-related conditions. This variant is not present in population databases (gnomAD no frequency). This sequence change creates a premature translational stop signal (p.Ser418*) in the NBN gene. It is expected to result in an absent or disrupted protein product. Loss-of-function variants in NBN are known to be pathogenic (PMID: 9590180, 16415040).

Ambry Genetics
Classification: Pathogenic for Hereditary cancer-predisposing syndrome. Last evaluated: 2021-04-26. Review status: criteria provided, single submitter. Criteria: Ambry Variant Classification Scheme 2023. Collection method: clinical testing. Allele origin: germline.
Comment: The p.S418* pathogenic mutation (also known as c.1253C>A), located in coding exon 10 of the NBN gene, results from a C to A substitution at nucleotide position 1253. This changes the amino acid from a serine to a stop codon within coding exon 10. This alteration is expected to result in loss of function by premature protein truncation or nonsense-mediated mRNA decay. As such, this alteration is interpreted as a disease-causing mutation.

Literature cited by the submitters: PubMed 9590180 (cited by Labcorp Genetics (formerly Invitae), Labcorp); PubMed 16415040 (cited by Labcorp Genetics (formerly Invitae), Labcorp).